The following is an entry in ClinVar:

NM_005359.6(SMAD4):c.705A>T (p.Glu235Asp)

Gene: SMAD4 (SMAD family member 4; plus strand). Cytogenetic location: 18q21.2.
Variant type: single nucleotide variant.
Coding change: c.705A>T on transcript NM_005359.6 (MANE Select); coding-DNA position 705, A replaced by T.
Protein change: p.Glu235Asp; replaces glutamic acid 235 with aspartic acid.
Molecular consequence: missense variant. On other transcripts: non-coding transcript variant (2).
Genome position (GRCh38, 1-based): chr18:51,058,162, A>T. VCF-style: chr18-51058162-A-T. GRCh37 (hg19) VCF-style: chr18-48584532-A-T.
Other names: c.705A>T, p.Glu235Asp (NM_001407041.1, NM_001407042.1, NM_001407043.1); short protein forms E235D.
Identifiers: ClinVar variation 4558911 (VCV004558911.1).
Genomic context (GRCh38, chr18:51,058,162, plus strand): 5'-TTAATGTCTTCTTGTTCCTCTAGGTCAGCCTGCCAGTATACTGGGGGGCAGCCATAGTGA[A>T]GGACTGTTGCAGATAGCATCAGGGCCTCAGCCAGGACAGCAGCAGAATGGATTTACTGGT-3'
Protein context (NP_005350.1, residues 225-245): PASILGGSHS[Glu235Asp]GLLQIASGPQ

ClinVar aggregate classification (germline): Uncertain significance (1 of 4 stars; one submission).

Conditions:
Hereditary cancer-predisposing syndrome. Also called: Tumor predisposition; Hereditary Cancer Syndrome; Hereditary neoplastic syndrome; Neoplastic Syndromes, Hereditary. Identifiers: Orphanet 140162, MedGen C0027672, MeSH D009386, MONDO:0015356.
Familial thoracic aortic aneurysm and aortic dissection (TAAD). Also called: Thoracic aortic aneurysms and dissections. Identifiers: Orphanet 91387, MedGen C4707243, MONDO:0019625.

Submission:

Ambry Genetics
Classification: Uncertain significance for Hereditary cancer-predisposing syndrome; Familial thoracic aortic aneurysm and aortic dissection. Last evaluated: 2025-10-09. Review status: criteria provided, single submitter. Criteria: Ambry Variant Classification Scheme 2023. Collection method: clinical testing. Allele origin: germline.
Comment: The p.E235D variant (also known as c.705A>T), located in coding exon 5 of the SMAD4 gene, results from an A to T substitution at nucleotide position 705. The glutamic acid at codon 235 is replaced by aspartic acid, an amino acid with highly similar properties. This amino acid position is conserved. In addition, this alteration is predicted to be tolerated by in silico analysis. Based on the available evidence, the clinical significance of this variant remains unclear.